The following is an entry in ClinVar:

NM_005219.5(DIAPH1):c.18G>T (p.Gly6=)

Gene: DIAPH1 (diaphanous related formin 1; minus strand). Cytogenetic location: 5q31.3.
Variant type: single nucleotide variant.
Coding change: c.18G>T on transcript NM_005219.5 (MANE Select); coding-DNA position 18, G replaced by T.
Protein change: p.Gly6=; no amino-acid change (glycine 6 retained).
Molecular consequence: synonymous variant.
Genome position (GRCh38, 1-based): chr5:141,618,897, C>A on the plus strand (G>T on the coding strand, the complement: DIAPH1 is on the minus strand). VCF-style: chr5-141618897-C-A. GRCh37 (hg19) VCF-style: chr5-140998464-C-A.
Other names: c.18G>T, p.Gly6= (NM_001079812.3, NM_001314007.2).
Identifiers: ClinVar variation 3903291 (VCV003903291.1).

ClinVar aggregate classification (germline): Uncertain significance (1 of 4 stars; one submission).

Submission:

GeneDx
Classification: Uncertain significance. Last evaluated: 2024-12-11. Review status: criteria provided, single submitter. Criteria: GeneDx Variant Classification Process June 2021. Collection method: clinical testing. Allele origin: germline. Affected: yes.
Comment: Not observed at significant frequency in large population cohorts (gnomAD); In silico analysis indicates that this variant does not alter splicing; Has not been previously published as pathogenic or benign to our knowledge